The following is an entry in ClinVar:

NM_152564.5(VPS13B):c.8446A>G (p.Ile2816Val)

Gene: VPS13B (vacuolar protein sorting 13 homolog B; plus strand). Cytogenetic location: 8q22.2.
Variant type: single nucleotide variant.
Coding change: c.8446A>G on transcript NM_152564.5 (MANE Select); coding-DNA position 8446, A replaced by G.
Protein change: p.Ile2816Val; replaces isoleucine 2816 with valine.
Molecular consequence: missense variant.
Genome position (GRCh38, 1-based): chr8:99,818,713, A>G. VCF-style: chr8-99818713-A-G. GRCh37 (hg19) VCF-style: chr8-100830941-A-G.
Other names: c.8446A>G (NM_152564.4); c.8521A>G, p.Ile2841Val (NM_017890.5); short protein forms I2816V, I2841V.
Identifiers: ClinVar variation 1336903 (VCV001336903.15), dbSNP rs373961820, ClinGen allele CA4824478.

ClinVar aggregate classification (germline): Uncertain significance. Review status: criteria provided, multiple submitters, no conflicts (2 of 4 stars). 8 submissions from 8 submitters: Uncertain significance (7). 1 of the submissions does not count toward it. Last evaluated 2025-01-20.

Conditions:
Inborn genetic diseases. Identifiers: MedGen C0950123, MeSH D030342.
VPS13B-related disorder. Also called: VPS13B-related condition.
Cohen syndrome (COH1). Also called: Cutis verticis gyrata, retinitis pigmentosa, and sensorineural deafness; PEPPER SYNDROME. Identifiers: Orphanet 193, MedGen C0265223, MONDO:0008999, OMIM 216550.

Allele frequency attached by ClinVar (database versions not stated): gnomAD exomes below 0.00001; TOPMed below 0.00001; ExAC 0.00001.
gnomAD v4.1: 5 of 1,613,758 alleles (0.00031%); highest among the groups gnomAD compares: South Asian, 0.0011%; no homozygotes.

Submissions (8):

Labcorp Genetics (formerly Invitae), Labcorp
Classification: Uncertain significance for Cohen syndrome. Last evaluated: 2025-01-20. Review status: criteria provided, single submitter. Criteria: Invitae Variant Classification Sherloc (09022015). Collection method: clinical testing. Allele origin: germline.
Comment: This sequence change replaces isoleucine, which is neutral and non-polar, with valine, which is neutral and non-polar, at codon 2841 of the VPS13B protein (p.Ile2841Val). This variant is not present in population databases (gnomAD no frequency). This variant has not been reported in the literature in individuals affected with VPS13B-related conditions. ClinVar contains an entry for this variant (Variation ID: 1336903). An algorithm developed to predict the effect of missense changes on protein structure and function (PolyPhen-2) suggests that this variant¬†is likely to be tolerated. In summary, the available evidence is currently insufficient to determine the role of this variant in disease. Therefore, it has been classified as a Variant of Uncertain Significance.

Women's Health and Genetics/Laboratory Corporation of America, LabCorp
Classification: Uncertain significance. Last evaluated: 2024-11-04. Review status: criteria provided, single submitter. Criteria: LabCorp Variant Classification Summary - May 2015. Collection method: clinical testing. Allele origin: germline.

Blueprint Genetics
Classification: Uncertain significance. Last evaluated: 2024-10-14. Review status: criteria provided, single submitter. Criteria: ACMG Guidelines, 2015. Collection method: clinical testing. Allele origin: germline.

GeneDx
Classification: Uncertain significance. Last evaluated: 2023-12-26. Review status: criteria provided, single submitter. Criteria: GeneDx Variant Classification Process June 2021. Collection method: clinical testing. Allele origin: germline. Affected: yes.
Comment: Has not been previously published as pathogenic or benign to our knowledge; Not observed at significant frequency in large population cohorts (gnomAD); In silico analysis supports that this missense variant does not alter protein structure/function

Fulgent Genetics
Classification: Uncertain significance for Cohen syndrome. Last evaluated: 2021-10-25. Review status: criteria provided, single submitter. Criteria: ACMG Guidelines, 2015. Collection method: clinical testing. Allele origin: unknown.

Genetic Services Laboratory, University of Chicago
Classification: Uncertain significance. Last evaluated: 2018-10-19. Review status: criteria provided, single submitter. Criteria: ACMG Guidelines, 2015. Collection method: clinical testing. Allele origin: germline. Affected: no.

Ambry Genetics
Classification: Uncertain significance for Inborn genetic diseases. Last evaluated: 2018-07-19. Review status: criteria provided, single submitter. Criteria: Ambry Variant Classification Scheme 2023. Collection method: clinical testing. Allele origin: germline.
Comment: The p.I2841V variant (also known as c.8521A>G) is located in coding exon 46 of the VPS13B gene. The isoleucine at codon 2841 is replaced by valine, an amino acid with highly similar properties. This change occurs in the first base pair of coding exon 46. This amino acid position is well conserved in available vertebrate species. In addition, this alteration is predicted to be tolerated by in silico analysis. Since supporting evidence is limited at this time, the clinical significance of this alteration remains unclear.

PreventionGenetics, part of Exact Sciences
Classification: Uncertain significance for VPS13B-related condition. Last evaluated: 2024-02-20. Review status: no assertion criteria provided. Collection method: clinical testing. Allele origin: germline. Not counted in ClinVar's aggregate classification.
Comment: The VPS13B c.8446A>G variant is predicted to result in the amino acid substitution p.Ile2816Val. To our knowledge, this variant has not been reported in the literature. This variant is reported in 0.0055% of alleles in individuals of East Asian descent in gnomAD. At this time, the clinical significance of this variant is uncertain due to the absence of conclusive functional and genetic evidence.